The following is an entry in ClinVar:

ClinVar aggregate classification (germline): Uncertain significance (1 of 4 stars; one submission).

Conditions:
Polyglandular autoimmune syndrome, type 1 (APS1). Also called: Autoimmune polyendocrinopathy syndrome, type I; Autoimmune polyendocrinopathy syndrome , type I, with or without reversible metaphyseal dysplasia; PGA I; HYPOADRENOCORTICISM WITH HYPOPARATHYROIDISM AND SUPERFICIAL MONILIASIS; Autoimmune polyendocrine syndrome type 1; AUTOIMMUNE POLYENDOCRINE SYNDROME, TYPE I, WITH OR WITHOUT REVERSIBLE METAPHYSEAL DYSPLASIA. Identifiers: Orphanet 3453, MedGen C0085859, MONDO:0009411, OMIM 240300.

Allele frequency attached by ClinVar (database versions not stated): gnomAD exomes below 0.00001.
gnomAD v4.1: 1 of 1,611,080 alleles (0.000062%); highest among the groups gnomAD compares: Non-Finnish European, 0.000085%; no homozygotes.

Submission:

Labcorp Genetics (formerly Invitae), Labcorp
Classification: Uncertain significance for Polyglandular autoimmune syndrome, type 1. Last evaluated: 2022-10-17. Review status: criteria provided, single submitter. Criteria: Invitae Variant Classification Sherloc (09022015). Collection method: clinical testing. Allele origin: germline.
Comment: This sequence change affects codon 277 of the AIRE mRNA. It is a 'silent' change, meaning that it does not change the encoded amino acid sequence of the AIRE protein. This variant is present in population databases (no rsID available, gnomAD 0.0009%). This variant has not been reported in the literature in individuals affected with AIRE-related conditions. ClinVar contains an entry for this variant (Variation ID: 1441939). Algorithms developed to predict the effect of sequence changes on RNA splicing suggest that this variant may disrupt the consensus splice site. In summary, the available evidence is currently insufficient to determine the role of this variant in disease. Therefore, it has been classified as a Variant of Uncertain Significance.

NM_000383.4(AIRE):c.831C>T (p.Gly277=)

Gene: AIRE (autoimmune regulator; plus strand). Cytogenetic location: 21q22.3.
Variant type: single nucleotide variant.
Coding change: c.831C>T on transcript NM_000383.4 (MANE Select); coding-DNA position 831, C replaced by T.
Protein change: p.Gly277=; no amino-acid change (glycine 277 retained).
Molecular consequence: synonymous variant.
Genome position (GRCh38, 1-based): chr21:44,290,020, C>T. VCF-style: chr21-44290020-C-T. GRCh37 (hg19) VCF-style: chr21-45709903-C-T.
Identifiers: ClinVar variation 1441939 (VCV001441939.6), dbSNP rs1180944731, ClinGen allele CA512491101.
Genomic context (GRCh38, chr21:44,290,020, plus strand): 5'-CCATTGCTGACGCCCCTCTTCCTTGCAGGGTGGAGGTGAGGCTAGGCTGGGCCAGCAGGG[C>T]AGCGTTCCCGCCCCTCTGGCCCTCCCCAGTGACCCCCAGCTCCACCAGGTAATGCCCTAG-3'
Protein context (NP_000374.1, residues 267-287): GGGEARLGQQ[Gly277=]SVPAPLALPS